The following is an entry in ClinVar:

NM_000528.4(MAN2B1):c.2999T>C (p.Phe1000Ser)

Gene: MAN2B1 (mannosidase alpha class 2B member 1; minus strand). Cytogenetic location: 19p13.13.
Variant type: single nucleotide variant.
Coding change: c.2999T>C on transcript NM_000528.4 (MANE Select); coding-DNA position 2999, T replaced by C.
Protein change: p.Phe1000Ser; replaces phenylalanine 1000 with serine.
Molecular consequence: missense variant.
Genome position (GRCh38, 1-based): chr19:12,646,657, A>G on the plus strand (T>C on the coding strand, the complement: MAN2B1 is on the minus strand). VCF-style: chr19-12646657-A-G. GRCh37 (hg19) VCF-style: chr19-12757471-A-G.
Other names: c.2996T>C, p.Phe999Ser (NM_001173498.2); short protein forms F1000S, F999S.
Identifiers: ClinVar variation 208281 (VCV000208281.5), dbSNP rs864621991, ClinGen allele CA350932.

ClinVar aggregate classification (germline): Likely pathogenic. Review status: criteria provided, multiple submitters, no conflicts (2 of 4 stars). 4 submissions from 4 submitters: Likely pathogenic (3). 1 of the submissions does not count toward it. Last evaluated 2025-01-09.

Conditions:
Deficiency of alpha-mannosidase (MANSA). Also called: LYSOSOMAL ALPHA-D-MANNOSIDASE DEFICIENCY; Mannosidosis, alpha-, types I and II; Alpha-Mannosidosis. Identifiers: Orphanet 61, MedGen C0024748, MONDO:0009561, OMIM 248500.

Allele frequency attached by ClinVar (database versions not stated): gnomAD exomes below 0.00001 and 0.00001.
gnomAD v4.1: 9 of 1,614,036 alleles (0.00056%); highest among the groups gnomAD compares: Admixed American, 0.0017%; no homozygotes.

Submissions (4):

Natera, Inc.
Classification: Likely pathogenic for Alpha-mannosidosis. Last evaluated: 2025-01-09. Review status: criteria provided, single submitter. Criteria: Natera Variant Classification Schema (03/2026). Collection method: clinical testing. Allele origin: germline.
Comment: The c.2999T>C variant in MAN2B1 is a missense variant predicted to cause substitution of phenylalanine to serine at amino acid 1000. This variant is rare in the general population with a frequency below the threshold expected for the associated phenotype(s). This variant has been observed in one or more individuals affected with the associated recessive disease, as either homozygous or compound heterozygous with a second variant (PMID: 22161967). Functional studies show that this variant may disrupt protein function (PMID: 22161967). Computational prediction algorithms indicate this variant is likely to affect gene or protein function. Given the available evidence, this variant is classified as Likely Pathogenic.

Fulgent Genetics
Classification: Likely pathogenic for Deficiency of alpha-mannosidase. Last evaluated: 2024-04-15. Review status: criteria provided, single submitter. Criteria: ACMG Guidelines, 2015. Collection method: clinical testing. Allele origin: germline.

Baylor Genetics
Classification: Likely pathogenic for Deficiency of alpha-mannosidase. Last evaluated: 2023-08-01. Review status: criteria provided, single submitter. Criteria: ACMG Guidelines, 2015. Collection method: clinical testing. Allele origin: unknown.

ClinVar Staff, National Center for Biotechnology Information (NCBI)
Classification: Uncertain significance for Deficiency of alpha-mannosidase. Last evaluated: 2012-06-07. Review status: no assertion criteria provided. Collection method: literature only. Allele origin: germline. Affected: yes. Not counted in ClinVar's aggregate classification.

Literature cited by the submitters: PubMed 22161967 (cited by Natera, Inc. and ClinVar Staff, National Center for Biotechnology Information (NCBI)).